The following is an entry in ClinVar:

ClinVar aggregate classification (germline): Likely benign (1 of 4 stars; one submission).

Allele frequency attached by ClinVar (database versions not stated): gnomAD exomes below 0.00001.
gnomAD v4.1: 2 of 1,614,006 alleles (0.00012%); highest among the groups gnomAD compares: Middle Eastern, 0.016%; no homozygotes.

Submission:

CeGaT Center for Human Genetics Tuebingen
Classification: Likely benign. Last evaluated: 2023-03-01. Review status: criteria provided, single submitter. Criteria: CeGaT Center For Human Genetics Tuebingen Variant Classification Criteria Version 2. Collection method: clinical testing. Allele origin: germline. Affected: yes. Observed: 1 variant allele.
Comment: CAMTA1: BP4, BP7

NM_015215.4(CAMTA1):c.1335C>T (p.Pro445=)

Gene: CAMTA1 (calmodulin binding transcription activator 1; plus strand). Cytogenetic location: 1p36.23.
Variant type: single nucleotide variant.
Coding change: c.1335C>T on transcript NM_015215.4 (MANE Select); coding-DNA position 1335, C replaced by T.
Protein change: p.Pro445=; no amino-acid change (proline 445 retained).
Molecular consequence: synonymous variant.
Genome position (GRCh38, 1-based): chr1:7,663,882, C>T. VCF-style: chr1-7663882-C-T. GRCh37 (hg19) VCF-style: chr1-7723942-C-T.
Other names: c.1245C>T, p.Pro415= (NM_001349608.2, NM_001349612.2); c.1335C>T, p.Pro445= (NM_001349609.2, NM_001349610.2, NM_001410737.1); c.1263C>T, p.Pro421= (NM_001410738.1).
Identifiers: ClinVar variation 2638133 (VCV002638133.24), dbSNP rs1299389317, ClinGen allele CA416026501.